The following is an entry in ClinVar:

NM_213655.5(WNK1):c.2281G>A (p.Glu761Lys)

Gene: WNK1 (WNK lysine deficient protein kinase 1; plus strand). Cytogenetic location: 12p13.33.
Variant type: single nucleotide variant.
Coding change: c.2281G>A on transcript NM_213655.5 (MANE Plus Clinical); coding-DNA position 2281, G replaced by A.
Protein change: p.Glu761Lys; replaces glutamic acid 761 with lysine.
Molecular consequence: missense variant. On other transcripts: intron variant (3).
Genome position (GRCh38, 1-based): chr12:865,251, G>A. VCF-style: chr12-865251-G-A. GRCh37 (hg19) VCF-style: chr12-974417-G-A.
Other names: c.2140-2615G>A (NM_001184985.2); c.2139+2981G>A (NM_018979.4, NM_014823.3); short protein forms E761K.
Identifiers: ClinVar variation 1466484 (VCV001466484.7), dbSNP rs573192786, ClinGen allele CA6382139.

ClinVar aggregate classification (germline): Uncertain significance. Review status: criteria provided, multiple submitters, no conflicts (2 of 4 stars). 2 submissions from 2 submitters: Uncertain significance (2). Last evaluated 2025-04-19.

Conditions:
Neuropathy, hereditary sensory and autonomic, type 2A (HSAN2A). Also called: ACROOSTEOLYSIS, GIACCAI TYPE; ACROOSTEOLYSIS, NEUROGENIC; MORVAN DISEASE; NEUROPATHY, CONGENITAL SENSORY; NEUROPATHY, HEREDITARY SENSORY RADICULAR, AUTOSOMAL RECESSIVE; NEUROPATHY, HEREDITARY SENSORY, TYPE IIA. Identifiers: Orphanet 970, MedGen C2752089, MONDO:0024309, OMIM 201300.
Pseudohypoaldosteronism type 2C (PHA2C). Also called: Pseudohypoaldosteronism Type IIC. Identifiers: Orphanet 757, Orphanet 88940, MedGen C1840391, MONDO:0013778, OMIM 614492.

Allele frequency attached by ClinVar (database versions not stated): gnomAD 0.00003 and 0.00004; TOPMed 0.00005.
gnomAD v4.1: 110 of 1,535,878 alleles (0.0072%); highest among the groups gnomAD compares: Middle Eastern, 0.62%; 2 homozygotes.

Submissions (2):

Labcorp Genetics (formerly Invitae), Labcorp
Classification: Uncertain significance for Neuropathy, hereditary sensory and autonomic, type 2A; Pseudohypoaldosteronism type 2C. Last evaluated: 2025-04-19. Review status: criteria provided, single submitter. Criteria: Invitae Variant Classification Sherloc (09022015). Collection method: clinical testing. Allele origin: germline.
Comment: This sequence change replaces glutamic acid, which is acidic and polar, with lysine, which is basic and polar, at codon 761 of the WNK1 protein (p.Glu761Lys). This variant is present in population databases (rs573192786, gnomAD 0.009%). This variant has not been reported in the literature in individuals affected with WNK1-related conditions. ClinVar contains an entry for this variant (Variation ID: 1466484). Invitae Evidence Modeling of protein sequence and biophysical properties (such as structural, functional, and spatial information, amino acid conservation, physicochemical variation, residue mobility, and thermodynamic stability) indicates that this missense variant is not expected to disrupt WNK1 protein function with a negative predictive value of 95%. In summary, the available evidence is currently insufficient to determine the role of this variant in disease. Therefore, it has been classified as a Variant of Uncertain Significance.

Fulgent Genetics
Classification: Uncertain significance for Neuropathy, hereditary sensory and autonomic, type 2A; Pseudohypoaldosteronism type 2C. Last evaluated: 2024-02-23. Review status: criteria provided, single submitter. Criteria: ACMG Guidelines, 2015. Collection method: clinical testing. Allele origin: germline.